The following is an entry in ClinVar:

NM_173630.4(RTTN):c.4763C>T (p.Thr1588Ile)

Gene: RTTN (rotatin; minus strand). Cytogenetic location: 18q22.2.
Variant type: single nucleotide variant.
Coding change: c.4763C>T on transcript NM_173630.4 (MANE Select); coding-DNA position 4763, C replaced by T.
Protein change: p.Thr1588Ile; replaces threonine 1588 with isoleucine.
Molecular consequence: missense variant.
Genome position (GRCh38, 1-based): chr18:70,060,027, G>A on the plus strand (C>T on the coding strand, the complement: RTTN is on the minus strand). VCF-style: chr18-70060027-G-A. GRCh37 (hg19) VCF-style: chr18-67727263-G-A.
Other names: c.2027C>T, p.Thr676Ile (NM_001318520.2); short protein forms T1588I, T676I.
Identifiers: ClinVar variation 2575862 (VCV002575862.3), dbSNP rs370654026, ClinGen allele CA8995126.

ClinVar aggregate classification (germline): Uncertain significance. Review status: criteria provided, multiple submitters, no conflicts (2 of 4 stars). 2 submissions from 2 submitters: Uncertain significance (2). Last evaluated 2025-02-07.

Conditions:
Inborn genetic diseases. Identifiers: MedGen C0950123, MeSH D030342.

Allele frequency attached by ClinVar (database versions not stated): gnomAD exomes 0.00001; gnomAD 0.00003; TOPMed 0.00003; ExAC 0.00004; ESP Exome Variant Server 0.00008; 1000 Genomes Project 30x 0.00016; 1000 Genomes Project 0.00020.
gnomAD v4.1: 20 of 1,610,978 alleles (0.0012%); highest among the groups gnomAD compares: African/African-American, 0.015%; no homozygotes.

Submissions (2):

Ambry Genetics
Classification: Uncertain significance for Inborn genetic diseases. Last evaluated: 2025-02-07. Review status: criteria provided, single submitter. Criteria: Ambry Variant Classification Scheme 2023. Collection method: clinical testing. Allele origin: germline.

GeneDx
Classification: Uncertain significance. Last evaluated: 2025-01-28. Review status: criteria provided, single submitter. Criteria: GeneDx Variant Classification Process June 2021. Collection method: clinical testing. Allele origin: germline. Affected: yes.
Comment: In silico analysis indicates that this missense variant does not alter protein structure/function; Has not been previously published as pathogenic or benign to our knowledge